The following is an entry in ClinVar:

NM_213720.3(CHCHD10):c.262-7C>T

Gene: CHCHD10 (coiled-coil-helix-coiled-coil-helix domain containing 10; minus strand). Cytogenetic location: 22q11.23.
Variant type: single nucleotide variant.
Coding change: c.262-7C>T on transcript NM_213720.3 (MANE Select); 7 bases into the intron before coding-DNA position 262, C replaced by T.
Molecular consequence: intron variant. On other transcripts: synonymous variant (1).
Genome position (GRCh38, 1-based): chr22:23,766,282, G>A on the plus strand (C>T on the coding strand, the complement: CHCHD10 is on the minus strand). VCF-style: chr22-23766282-G-A. GRCh37 (hg19) VCF-style: chr22-24108469-G-A.
Other names: c.276C>T, p.Tyr92= (NM_001301339.2); c.276C>T (NM_001301339.1).
Identifiers: ClinVar variation 1533419 (VCV001533419.12), dbSNP rs533095236, ClinGen allele CA322572840.
Genomic context (GRCh38, chr22:23,766,282, plus strand): 5'-CTCGTAGGCGCAGGGCCCCATCTGCAGGGGCTGGGGGGCAGCGGGGGTGGGGGCCTGGGG[G>A]TACAGTGCAAGAGGCTGCAGGATCAGCTTGGAGTTGGCACCTGGAGGTGCGTTTCAAACC-3'

ClinVar aggregate classification (germline): Likely benign. Review status: criteria provided, multiple submitters, no conflicts (2 of 4 stars). 4 submissions from 4 submitters: Likely benign (4). Last evaluated 2026-05-01.

Conditions:
Lower motor neuron syndrome with late-adult onset (SMAJ). Also called: Spinal muscular atrophy, Jokela type; Late-Onset Spinal Motor Neuronopathy (SMAJ). Identifiers: Orphanet 276435, MedGen C3554398, MONDO:0014025, OMIM 615048.
Frontotemporal dementia and/or amyotrophic lateral sclerosis 2. Also called: FTDALS2. Identifiers: Orphanet 275872, MedGen C4014648, MONDO:0014395, OMIM 615911.
Autosomal dominant mitochondrial myopathy with exercise intolerance (IMMD). Also called: Myopathy, isolated mitochondrial, autosomal dominant. Identifiers: Orphanet 457050, MedGen C4015513, MONDO:0014532, OMIM 616209.
CHCHD10-related disorder. Also called: CHCHD10-Related Disorders; CHCHD10-related condition. Identifiers: MedGen CN381526.

Allele frequency attached by ClinVar (database versions not stated): gnomAD 0.00002 and 0.00003; gnomAD exomes 0.00004; TOPMed 0.00005; 1000 Genomes Project 0.00020; 1000 Genomes Project 30x 0.00031.
gnomAD v4.1: 18 of 1,545,348 alleles (0.0012%); highest among the groups gnomAD compares: Admixed American, 0.025%; no homozygotes.

Submissions (4):

CeGaT Center for Human Genetics Tuebingen
Classification: Likely benign. Last evaluated: 2026-05-01. Review status: criteria provided, single submitter. Criteria: CeGaT Center For Human Genetics Tuebingen Variant Classification Criteria Version 2. Collection method: clinical testing. Allele origin: germline. Affected: yes. Observed: 1 variant allele.
Comment: CHCHD10: BP4

Women's Health and Genetics/Laboratory Corporation of America, LabCorp
Classification: Likely benign. Last evaluated: 2026-03-25. Review status: criteria provided, single submitter. Criteria: LabCorp Variant Classification Summary - May 2015. Collection method: clinical testing. Allele origin: germline.
Comment: Variant summary: CHCHD10 c.262-7C>T alters a non-conserved nucleotide located at a position not widely known to affect splicing. Consensus agreement among computation tools predict no significant impact on normal splicing. However, these predictions have yet to be confirmed by functional studies. The variant allele was found at a frequency of 4.1e-05 in 144972 control chromosomes. The available data on variant occurrences in the general population are insufficient to allow any conclusion about variant significance. To our knowledge, no occurrence of c.262-7C>T in individuals affected with CHCHD10-related conditions and no experimental evidence demonstrating its impact on protein function have been reported. ClinVar contains an entry for this variant (Variation ID: 1533419). Based on the evidence outlined above, the variant was classified as likely benign.

Labcorp Genetics (formerly Invitae), Labcorp
Classification: Likely benign for Lower motor neuron syndrome with late-adult onset; Frontotemporal dementia and/or amyotrophic lateral sclerosis 2; Autosomal dominant mitochondrial myopathy with exercise intolerance. Last evaluated: 2025-06-08. Review status: criteria provided, single submitter. Criteria: Invitae Variant Classification Sherloc (09022015). Collection method: clinical testing. Allele origin: germline.

PreventionGenetics, part of Exact Sciences
Classification: Likely benign for CHCHD10-related condition. Last evaluated: 2024-10-14. Review status: criteria provided, single submitter. Criteria: ACMG Guidelines, 2015. Collection method: clinical testing. Allele origin: germline.
Comment: This variant is classified as likely benign based on ACMG/AMP sequence variant interpretation guidelines (Richards et al. 2015 PMID: 25741868, with internal and published modifications).